The following is an entry in ClinVar:

NM_001145809.2(MYH14):c.3650T>G (p.Leu1217Arg)

Gene: MYH14 (myosin heavy chain 14; plus strand). Cytogenetic location: 19q13.33.
Variant type: single nucleotide variant.
Coding change: c.3650T>G on transcript NM_001145809.2 (MANE Select); coding-DNA position 3650, T replaced by G.
Protein change: p.Leu1217Arg; replaces leucine 1217 with arginine.
Molecular consequence: missense variant.
Genome position (GRCh38, 1-based): chr19:50,276,173, T>G. VCF-style: chr19-50276173-T-G. GRCh37 (hg19) VCF-style: chr19-50779430-T-G.
Other names: c.3551T>G, p.Leu1184Arg (NM_001077186.2); c.3527T>G, p.Leu1176Arg (NM_024729.4); short protein forms L1184R, L1176R, L1217R.
Identifiers: ClinVar variation 4986717 (VCV004986717.1).
Genomic context (GRCh38, chr19:50,276,173, plus strand): 5'-AGCAGCGCCGGGACCTGGGCGAGGAGCTGGAGGCGCTGCGGGGCGAGCTGGAGGACACGC[T>G]GGACTCCACCAACGCACAGCAGGAGCTCCGGTGAGGCCCGGTGGCAGGCCGCTGTCACAG-3'
Protein context (NP_001139281.1, residues 1207-1227): EALRGELEDT[Leu1217Arg]DSTNAQQELR

ClinVar aggregate classification (germline): Uncertain significance (1 of 4 stars; one submission).

Conditions:
MYH14-related disorder. Also called: MYH14-related condition.

gnomAD v4.1: 1 of 1,554,116 alleles (0.000064%); highest among the groups gnomAD compares: Non-Finnish European, 0.000087%; no homozygotes.

Submission:

PreventionGenetics, part of Exact Sciences
Classification: Uncertain significance for MYH14-related condition. Last evaluated: 2026-02-24. Review status: criteria provided, single submitter. Criteria: ACMG Guidelines, 2015. Collection method: clinical testing. Allele origin: germline.
Comment: The MYH14 c.3650T>G variant is predicted to result in the amino acid substitution p.Leu1217Arg. To our knowledge, this variant has not been reported in the literature. This variant is reported in 0.0065% of alleles in individuals of European (Non-Finnish) descent in gnomAD. At this time, the clinical significance of this variant is uncertain due to the absence of conclusive functional and genetic evidence.